The following is an entry in ClinVar:

NM_020928.2(ZSWIM6):c.2873T>C (p.Met958Thr)

Gene: ZSWIM6 (zinc finger SWIM-type containing 6; plus strand). Cytogenetic location: 5q12.1.
Variant type: single nucleotide variant.
Coding change: c.2873T>C on transcript NM_020928.2 (MANE Select); coding-DNA position 2873, T replaced by C.
Protein change: p.Met958Thr; replaces methionine 958 with threonine.
Molecular consequence: missense variant.
Genome position (GRCh38, 1-based): chr5:61,543,542, T>C. VCF-style: chr5-61543542-T-C. GRCh37 (hg19) VCF-style: chr5-60839369-T-C.
Other names: short protein forms M958T.
Identifiers: ClinVar variation 3068746 (VCV003068746.2), dbSNP rs1351620156, ClinGen allele CA359946349.

ClinVar aggregate classification (germline): Uncertain significance (1 of 4 stars; one submission).

Allele frequency attached by ClinVar (database versions not stated): gnomAD exomes below 0.00001; TOPMed below 0.00001.
gnomAD v4.1: 2 of 1,551,618 alleles (0.00013%); highest among the groups gnomAD compares: Non-Finnish European, 0.00017%; no homozygotes.

Submission:

Women's Health and Genetics/Laboratory Corporation of America, LabCorp
Classification: Uncertain significance. Last evaluated: 2024-02-12. Review status: criteria provided, single submitter. Criteria: LabCorp Variant Classification Summary - May 2015. Collection method: clinical testing. Allele origin: germline.
Comment: Variant summary: ZSWIM6 c.2873T>C (p.Met958Thr) results in a non-conservative amino acid change in the encoded protein sequence. Three of five in-silico tools predict a benign effect of the variant on protein function. The variant was absent in 157106 control chromosomes. The available data on variant occurrences in the general population are insufficient to allow any conclusion about variant significance. To our knowledge, no occurrence of c.2873T>C in individuals affected with ZSWIM6-Related Disorders and no experimental evidence demonstrating its impact on protein function have been reported. No submitters have cited clinical-significance assessments for this variant to ClinVar. Based on the evidence outlined above, the variant was classified as uncertain significance.